The following is an entry in ClinVar:

ClinVar aggregate classification (germline): Uncertain significance (1 of 4 stars; one submission).

Submission:

Labcorp Genetics (formerly Invitae), Labcorp
Classification: Uncertain significance. Last evaluated: 2024-11-18. Review status: criteria provided, single submitter. Criteria: Invitae Variant Classification Sherloc (09022015). Collection method: clinical testing. Allele origin: germline.
Comment: This sequence change replaces tyrosine, which is neutral and polar, with serine, which is neutral and polar, at codon 791 of the FN1 protein (p.Tyr791Ser). This variant is not present in population databases (gnomAD no frequency). This variant has not been reported in the literature in individuals affected with FN1-related conditions. An algorithm developed to predict the effect of missense changes on protein structure and function (PolyPhen-2) suggests that this variant is likely to be disruptive. In summary, the available evidence is currently insufficient to determine the role of this variant in disease. Therefore, it has been classified as a Variant of Uncertain Significance.

NM_212482.4(FN1):c.2372A>C (p.Tyr791Ser)

Gene: FN1 (fibronectin 1; minus strand). Cytogenetic location: 2q35.
Variant type: single nucleotide variant.
Coding change: c.2372A>C on transcript NM_212482.4 (MANE Select); coding-DNA position 2372, A replaced by C.
Protein change: p.Tyr791Ser; replaces tyrosine 791 with serine.
Molecular consequence: missense variant.
Genome position (GRCh38, 1-based): chr2:215,408,354, T>G on the plus strand (A>C on the coding strand, the complement: FN1 is on the minus strand). VCF-style: chr2-215408354-T-G. GRCh37 (hg19) VCF-style: chr2-216273077-T-G.
Other names: c.2372A>C, p.Tyr791Ser (NM_001365518.2, NM_001365519.2, NM_001365520.2 and 13 more transcripts); short protein forms Y791S.
Identifiers: ClinVar variation 3666657 (VCV003666657.2).